The following is an entry in ClinVar:

NM_017612.5(ZCCHC8):c.1426C>T (p.Pro476Ser)

Gene: ZCCHC8 (zinc finger CCHC-type containing 8; minus strand). Cytogenetic location: 12q24.31.
Variant type: single nucleotide variant.
Coding change: c.1426C>T on transcript NM_017612.5 (MANE Select); coding-DNA position 1426, C replaced by T.
Protein change: p.Pro476Ser; replaces proline 476 with serine.
Molecular consequence: missense variant.
Genome position (GRCh38, 1-based): chr12:122,474,195, G>A on the plus strand (C>T on the coding strand, the complement: ZCCHC8 is on the minus strand). VCF-style: chr12-122474195-G-A. GRCh37 (hg19) VCF-style: chr12-122958742-G-A.
Other names: c.1195C>T, p.Pro399Ser (NM_001350935.2); c.1129C>T, p.Pro377Ser (NM_001350936.2); c.712C>T, p.Pro238Ser (NM_001350937.2, NM_001350938.2); c.1426C>T (NM_017612.3); short protein forms P238S, P377S, P399S, P476S.
Identifiers: ClinVar variation 3011408 (VCV003011408.4), dbSNP rs938393266, ClinGen allele CA244748776.

ClinVar aggregate classification (germline): Uncertain significance. Review status: criteria provided, multiple submitters, no conflicts (2 of 4 stars). 2 submissions from 2 submitters: Uncertain significance (2). Last evaluated 2025-03-18.

Allele frequency attached by ClinVar (database versions not stated): gnomAD exomes below 0.00001; TOPMed 0.00001.
gnomAD v4.1: 3 of 1,510,868 alleles (0.0002%); highest among the groups gnomAD compares: South Asian, 0.0014%; no homozygotes.

Submissions (2):

Ambry Genetics
Classification: Uncertain significance. Last evaluated: 2025-03-18. Review status: criteria provided, single submitter. Criteria: Ambry Variant Classification Scheme 2023. Collection method: clinical testing. Allele origin: germline.

Labcorp Genetics (formerly Invitae), Labcorp
Classification: Uncertain significance. Last evaluated: 2023-01-19. Review status: criteria provided, single submitter. Criteria: Invitae Variant Classification Sherloc (09022015). Collection method: clinical testing. Allele origin: germline.
Comment: In summary, the available evidence is currently insufficient to determine the role of this variant in disease. Therefore, it has been classified as a Variant of Uncertain Significance. Advanced modeling of protein sequence and biophysical properties (such as structural, functional, and spatial information, amino acid conservation, physicochemical variation, residue mobility, and thermodynamic stability) has been performed at Invitae for this missense variant, however the output from this modeling did not meet the statistical confidence thresholds required to predict the impact of this variant on ZCCHC8 protein function. This variant has not been reported in the literature in individuals affected with ZCCHC8-related conditions. This variant is present in population databases (no rsID available, gnomAD 0.03%). This sequence change replaces proline, which is neutral and non-polar, with serine, which is neutral and polar, at codon 476 of the ZCCHC8 protein (p.Pro476Ser).